The following is an entry in ClinVar:

NM_133259.4(LRPPRC):c.2398G>A (p.Gly800Ser)

Gene: LRPPRC (leucine rich pentatricopeptide repeat containing; minus strand). Cytogenetic location: 2p21.
Variant type: single nucleotide variant.
Coding change: c.2398G>A on transcript NM_133259.4 (MANE Select); coding-DNA position 2398, G replaced by A.
Protein change: p.Gly800Ser; replaces glycine 800 with serine.
Molecular consequence: missense variant.
Genome position (GRCh38, 1-based): chr2:43,943,793, C>T on the plus strand (G>A on the coding strand, the complement: LRPPRC is on the minus strand). VCF-style: chr2-43943793-C-T. GRCh37 (hg19) VCF-style: chr2-44170932-C-T.
Other names: p.G800S:GGT>AGT; short protein forms G800S.
Identifiers: ClinVar variation 214612 (VCV000214612.3), dbSNP rs747400412, ClinGen allele CA319788.
Genomic context (GRCh38, chr2:43,943,793, plus strand): 5'-GTTCTGCTAACCCTAGAGTCACGATGGCTTCATGCAACTGTTTTACTGTTTCAATTTCAC[C>T]TCTTAAAGCTGCGCCATTTAGCATGTGGAAAAAGGACAAGGCTGTTGTATCTTTGATAAG-3'
Protein context (NP_573566.2, residues 790-810): FHMLNGAALR[Gly800Ser]EIETVKQLHE

ClinVar aggregate classification (germline): Conflicting classifications of pathogenicity. Review status: criteria provided, conflicting classifications (1 of 4 stars). 2 submissions from 2 submitters: Likely pathogenic (1); Uncertain significance (1). Last evaluated 2023-07-24.

Allele frequency attached by ClinVar (database versions not stated): ExAC 0.00001; gnomAD 0.00001; gnomAD exomes 0.00001; TOPMed 0.00002.
gnomAD v4.1: 10 of 1,613,356 alleles (0.00062%); highest among the groups gnomAD compares: Non-Finnish European, 0.00085%; no homozygotes.

Submissions (2):

Women's Health and Genetics/Laboratory Corporation of America, LabCorp
Classification: Uncertain significance. Last evaluated: 2023-07-24. Review status: criteria provided, single submitter. Criteria: LabCorp Variant Classification Summary - May 2015. Collection method: clinical testing. Allele origin: germline.

GeneDx
Classification: Likely pathogenic. Last evaluated: 2013-09-09. Review status: criteria provided, single submitter. Criteria: GeneDx Variant Classification (06012015). Collection method: clinical testing. Allele origin: germline. Affected: yes.
Comment: p.Gly800Ser (GGT>AGT): c.2398 G>A in exon 23 of the LRPPRC gene (NM_133259.3). The G800S missense change has not been published as a mutation, nor has it been reported as a benign polymorphism to our knowledge. The amino acid change is non-conservative in that a non-polar Glycine residue is replaced by a polar Serine residue. This change occurs at a highly conserved position in the LRPPRC protein, and multiple in-silico analysis programs predict that G800S is damaging to the LRPPRC protein. Therefore, G800S is a strong candidate for a disease-causing mutation, however the possibility that it is a benign variant cannot be excluded. The variant is found in MITONUC-MITOP panel(s).